The following is an entry in ClinVar:

NM_173728.4(ARHGEF15):c.1260+4G>A

Gene: ARHGEF15 (Rho guanine nucleotide exchange factor 15; plus strand). Cytogenetic location: 17p13.1.
Variant type: single nucleotide variant.
Coding change: c.1260+4G>A on transcript NM_173728.4 (MANE Select); 4 bases into the intron after coding-DNA position 1260, G replaced by A.
Molecular consequence: intron variant.
Genome position (GRCh38, 1-based): chr17:8,315,281, G>A. VCF-style: chr17-8315281-G-A. GRCh37 (hg19) VCF-style: chr17-8218599-G-A.
Other names: c.1260+4G>A (NM_025014.2).
Identifiers: ClinVar variation 210248 (VCV000210248.19), dbSNP rs199691980, ClinGen allele CA207449.
Genomic context (GRCh38, chr17:8,315,281, plus strand): 5'-GTGCAAGCCAGCGGTCTTCTGGATACCCTCAGCCCCCAGGAGAGGCGCATGCAGGAGGTG[G>A]GAGCTGGAGGTGGGAGATGGGAGGGGGGTGCTGGGGTTGGGCTGCATGGGTCAGGCATAG-3'

ClinVar aggregate classification (germline): Benign/Likely benign. Review status: criteria provided, multiple submitters, no conflicts (2 of 4 stars). 4 submissions from 4 submitters: Benign (1); Likely benign (2). 1 of the submissions does not count toward it. Last evaluated 2025-12-03.

Conditions:
Early-infantile DEE. Also called: Ohtahara syndrome; Early infantile epileptic encephalopathy; Early infantile epileptic encephalopathy with suppression bursts. Identifiers: Orphanet 1934, MedGen C0393706, MONDO:0800491.
ARHGEF15-related disorder. Also called: ARHGEF15-related condition.

Allele frequency attached by ClinVar (database versions not stated): ExAC 0.00310; gnomAD exomes 0.00252; 1000 Genomes Project 30x 0.00281; ESP Exome Variant Server 0.00077; TOPMed 0.00081; gnomAD 0.00072 and 0.00113; 1000 Genomes Project 0.00319.
gnomAD v4.1: 2,633 of 1,612,698 alleles (0.16%); highest among the groups gnomAD compares: South Asian, 1.5%; 25 homozygotes.

Submissions (4):

Labcorp Genetics (formerly Invitae), Labcorp
Classification: Benign for Early-infantile DEE. Last evaluated: 2025-12-03. Review status: criteria provided, single submitter. Criteria: Invitae Variant Classification Sherloc (09022015). Collection method: clinical testing. Allele origin: germline.

Genetic Services Laboratory, University of Chicago
Classification: Likely benign. Last evaluated: 2015-05-15. Review status: criteria provided, single submitter. Criteria: ACMG Guidelines, 2015. Collection method: clinical testing. Allele origin: germline.

Breakthrough Genomics
Classification: Likely benign. Review status: criteria provided, single submitter. Criteria: ACMG Guidelines, 2015. Collection method: not provided. Allele origin: germline. Inheritance: Unknown mechanism. Affected: yes.

PreventionGenetics, part of Exact Sciences
Classification: Benign for ARHGEF15-related condition. Last evaluated: 2019-07-01. Review status: no assertion criteria provided. Collection method: clinical testing. Allele origin: germline. Not counted in ClinVar's aggregate classification.
Comment: This variant is classified as benign based on ACMG/AMP sequence variant interpretation guidelines (Richards et al. 2015 PMID: 25741868, with internal and published modifications).